The following is an entry in ClinVar:

NM_000359.3(TGM1):c.920G>A (p.Arg307Gln)

Gene: TGM1 (transglutaminase 1; minus strand). Cytogenetic location: 14q12.
Variant type: single nucleotide variant.
Coding change: c.920G>A on transcript NM_000359.3 (MANE Select); coding-DNA position 920, G replaced by A.
Protein change: p.Arg307Gln; replaces arginine 307 with glutamine.
Molecular consequence: missense variant.
Genome position (GRCh38, 1-based): chr14:24,259,768, C>T on the plus strand (G>A on the coding strand, the complement: TGM1 is on the minus strand). VCF-style: chr14-24259768-C-T. GRCh37 (hg19) VCF-style: chr14-24728974-C-T.
Other names: c.920G>A (NM_000359.2); short protein forms R307Q.
Identifiers: ClinVar variation 1555661 (VCV001555661.13), dbSNP rs146770534, ClinGen allele CA7131234.

ClinVar aggregate classification (germline): Conflicting classifications of pathogenicity. Review status: criteria provided, conflicting classifications (1 of 4 stars). 6 submissions from 6 submitters: Uncertain significance (2); Benign (2); Likely benign (2). Last evaluated 2026-06-12.

Conditions:
TGM1-related disorder. Also called: TGM1-related condition.
Autosomal recessive congenital ichthyosis 1 (LI1). Also called: COLLODION FETUS; DESQUAMATION OF NEWBORN; ICHTHYOSIS, CONGENITAL, AUTOSOMAL RECESSIVE 1, WITH OR WITHOUT BATHING SUIT DISTRIBUTION; ICHTHYOSIS CONGENITA; ICHTHYOSIS CONGENITA II; LAMELLAR EXFOLIATION OF NEWBORN. Identifiers: MedGen C4551630, MONDO:0009441, OMIM 242300.

Allele frequency attached by ClinVar (database versions not stated): gnomAD exomes 0.00018 and 0.00035; ExAC 0.00040; 1000 Genomes Project 0.00100; 1000 Genomes Project 30x 0.00109; gnomAD 0.00143 and 0.00155; ESP Exome Variant Server 0.00169; TOPMed 0.00170.

Submissions (6):

PreventionGenetics, part of Exact Sciences
Classification: Likely benign for TGM1-related condition. Last evaluated: 2026-06-12. Review status: criteria provided, single submitter. Criteria: ACMG Guidelines, 2015. Collection method: clinical testing. Allele origin: germline.
Comment: This variant is classified as likely benign based on ACMG/AMP sequence variant interpretation guidelines (Richards et al. 2015 PMID: 25741868, with internal and published modifications).

GeneDx
Classification: Uncertain significance. Last evaluated: 2026-02-12. Review status: criteria provided, single submitter. Criteria: GeneDx Variant Classification Process June 2021. Collection method: clinical testing. Allele origin: germline.
Comment: In silico analysis supports that this missense variant does not alter protein structure/function; Has not been previously published as pathogenic or benign to our knowledge

Labcorp Genetics (formerly Invitae), Labcorp
Classification: Benign. Last evaluated: 2026-02-02. Review status: criteria provided, single submitter. Criteria: Invitae Variant Classification Sherloc (09022015). Collection method: clinical testing. Allele origin: germline.

Blueprint Genetics
Classification: Uncertain significance. Last evaluated: 2024-09-11. Review status: criteria provided, single submitter. Criteria: ACMG Guidelines, 2015. Collection method: clinical testing. Allele origin: germline.

Fulgent Genetics
Classification: Likely benign for Autosomal recessive congenital ichthyosis 1. Last evaluated: 2021-07-29. Review status: criteria provided, single submitter. Criteria: ACMG Guidelines, 2015. Collection method: clinical testing. Allele origin: unknown.

Breakthrough Genomics
Classification: Benign. Review status: criteria provided, single submitter. Criteria: ACMG Guidelines, 2015. Collection method: not provided. Allele origin: germline. Inheritance: Autosomal recessive inheritance. Affected: yes.